The following is an entry in ClinVar:

ClinVar aggregate classification (germline): Pathogenic/Likely pathogenic. Review status: criteria provided, multiple submitters, no conflicts (2 of 4 stars). 4 submissions from 4 submitters: Pathogenic (2); Likely pathogenic (1). 1 of the submissions does not count toward it. Last evaluated 2023-03-18.

Conditions:
Cholesteryl ester storage disease (CESD). Also called: Childhood/Adult-Onset LAL-D (Cholesterol Ester Storage Disease [CESD]). Identifiers: Orphanet 75234, MedGen C0008384, MONDO:0019149, OMIM 278000.
Wolman disease (WOLD). Also called: Wolman disease, CESD; LYSOSOMAL ACID LIPASE DEFICIENCY, ACUTE INFANTILE; LYSOSOMAL ACID LIPASE DEFICIENCY, COMPLETE; LIPA DEFICIENCY, COMPLETE; LAL DEFICIENCY, COMPLETE; CHOLESTEROL ESTER HYDROLASE DEFICIENCY, COMPLETE. Identifiers: Orphanet 75233, MedGen C0043208, MONDO:0019148, OMIM 620151.

Allele frequency attached by ClinVar (database versions not stated): gnomAD exomes 0.00001 and below 0.00001; TOPMed 0.00002; ExAC 0.00002; gnomAD 0.00001; ESP Exome Variant Server 0.00008.

Submissions (4):

Women's Health and Genetics/Laboratory Corporation of America, LabCorp
Classification: Likely pathogenic for Wolman disease. Last evaluated: 2023-03-18. Review status: criteria provided, single submitter. Criteria: LabCorp Variant Classification Summary - May 2015. Collection method: clinical testing. Allele origin: germline.
Comment: Variant summary: LIPA c.350_351insCC (p.Met117IlefsX45) results in a premature termination codon, predicted to cause a truncation of the encoded protein or absence of the protein due to nonsense mediated decay, which are commonly known mechanisms for disease. Truncations downstream of this position have been classified as pathogenic within ClinVar (e.g. c.398del [p.Leu132_Ser133insTer], c.482del [p.Asn161fs]). The variant allele was found at a frequency of 8e-06 in 251452 control chromosomes (gnomAD). c.350_351insCC has been reported in the literature in at least one compound heterozygous individual affected with Lysosomal Acid Lipase Deficiency (Jones_2017). These data do not allow any conclusion about variant significance. To our knowledge, no experimental evidence demonstrating an impact on protein function has been reported. Three ClinVar submitters have assessed the variant since 2014: one classified the variant as likely pathogenic, and two as pathogenic. Based on the evidence outlined above, the variant was classified as likely pathogenic.

Labcorp Genetics (formerly Invitae), Labcorp
Classification: Pathogenic for Wolman disease. Last evaluated: 2022-08-19. Review status: criteria provided, single submitter. Criteria: Invitae Variant Classification Sherloc (09022015). Collection method: clinical testing. Allele origin: germline.
Comment: For these reasons, this variant has been classified as Pathogenic. ClinVar contains an entry for this variant (Variation ID: 556450). This variant has not been reported in the literature in individuals affected with LIPA-related conditions. This variant is present in population databases (rs753796180, gnomAD 0.008%). This sequence change creates a premature translational stop signal (p.Met117Ilefs*45) in the LIPA gene. It is expected to result in an absent or disrupted protein product. Loss-of-function variants in LIPA are known to be pathogenic (PMID: 23485521).

Eurofins Ntd Llc (ga)
Classification: Pathogenic. Last evaluated: 2018-02-26. Review status: criteria provided, single submitter. Criteria: EGL ClinVar v180209 classification definitions. Collection method: clinical testing. Allele origin: germline.

Counsyl
Classification: Likely pathogenic for Cholesteryl ester storage disease. Last evaluated: 2018-01-31. Review status: no assertion criteria provided. Collection method: clinical testing. Allele origin: unknown. Not counted in ClinVar's aggregate classification.

Literature cited by the submitters: PubMed 28179030 (cited by Women's Health and Genetics/Laboratory Corporation of America, LabCorp); PubMed 23485521 (cited by Labcorp Genetics (formerly Invitae), Labcorp).

NM_000235.4(LIPA):c.350_351insCC (p.Met117fs)

Gene: LIPA (lipase A, lysosomal acid type; minus strand). Cytogenetic location: 10q23.31.
Variant type: Insertion.
Coding change: c.350_351insCC on transcript NM_000235.4 (MANE Select); coding-DNA positions 350 to 351, CC inserted.
Protein change: p.Met117fs; shifts the reading frame from methionine 117.
Molecular consequence: frameshift variant. On other transcripts: initiator codon variant (1).
Genome position: GRCh38 VCF-style: chr10-89228277-C-CGG. GRCh37 (hg19) VCF-style: chr10-90988034-C-CGG.
Other names: c.350_351insCC, p.Met117fs (NM_001127605.3); c.2_3insCC, p.Met1fs (NM_001288979.2); c.350_351insCC (NM_000235.3); short protein forms M1fs, M117fs.
Identifiers: ClinVar variation 556450 (VCV000556450.15), dbSNP rs753796180, ClinGen allele CA5593758.